The following is an entry in ClinVar:

ClinVar aggregate classification (germline): Uncertain significance. Review status: criteria provided, multiple submitters, no conflicts (2 of 4 stars). 3 submissions from 3 submitters: Uncertain significance (3). Last evaluated 2025-12-29.

Conditions:
Periodic fever-infantile enterocolitis-autoinflammatory syndrome. Also called: Autoinflammation with infantile enterocolitis. Identifiers: Orphanet 436166, MedGen C4015067, MONDO:0014472, OMIM 616050.
Familial cold autoinflammatory syndrome 4 (FCAS4). Identifiers: Orphanet 47045, Orphanet 576349, MedGen C4015276, MONDO:0014498, OMIM 616115.
Inborn genetic diseases. Identifiers: MedGen C0950123, MeSH D030342.

Allele frequency attached by ClinVar (database versions not stated): TOPMed 0.00004; gnomAD 0.00005.
gnomAD v4.1: 28 of 1,614,126 alleles (0.0017%); highest among the groups gnomAD compares: Admixed American, 0.038%; no homozygotes.

Submissions (3):

Labcorp Genetics (formerly Invitae), Labcorp
Classification: Uncertain significance for Periodic fever-infantile enterocolitis-autoinflammatory syndrome; Familial cold autoinflammatory syndrome 4. Last evaluated: 2025-12-29. Review status: criteria provided, single submitter. Criteria: Invitae Variant Classification Sherloc (09022015). Collection method: clinical testing. Allele origin: germline.
Comment: This sequence change replaces tyrosine, which is neutral and polar, with cysteine, which is neutral and slightly polar, at codon 585 of the NLRC4 protein (p.Tyr585Cys). This variant is present in population databases (rs763410160, gnomAD 0.02%). This variant has not been reported in the literature in individuals affected with NLRC4-related conditions. ClinVar contains an entry for this variant (Variation ID: 568405). Invitae Evidence Modeling of protein sequence and biophysical properties (such as structural, functional, and spatial information, amino acid conservation, physicochemical variation, residue mobility, and thermodynamic stability) indicates that this missense variant is not expected to disrupt NLRC4 protein function with a negative predictive value of 80%. In summary, the available evidence is currently insufficient to determine the role of this variant in disease. Therefore, it has been classified as a Variant of Uncertain Significance.

Ambry Genetics
Classification: Uncertain significance for Inborn genetic diseases. Last evaluated: 2025-08-28. Review status: criteria provided, single submitter. Criteria: Ambry Variant Classification Scheme 2023. Collection method: clinical testing. Allele origin: germline.

Baylor Genetics
Classification: Uncertain significance for Familial cold autoinflammatory syndrome 4. Last evaluated: 2018-04-13. Review status: criteria provided, single submitter. Criteria: ACMG Guidelines, 2015. Collection method: clinical testing. Allele origin: maternal. Affected: yes.
Comment: This variant was determined to be of uncertain significance according to ACMG Guidelines, 2015 [PMID:25741868].

NM_001199138.2(NLRC4):c.1754A>G (p.Tyr585Cys)

Gene: NLRC4 (NLR family CARD domain containing 4; minus strand). Cytogenetic location: 2p22.3.
Variant type: single nucleotide variant.
Coding change: c.1754A>G on transcript NM_001199138.2 (MANE Select); coding-DNA position 1754, A replaced by G.
Protein change: p.Tyr585Cys; replaces tyrosine 585 with cysteine.
Molecular consequence: missense variant. On other transcripts: intron variant (1).
Genome position (GRCh38, 1-based): chr2:32,250,110, T>C on the plus strand (A>G on the coding strand, the complement: NLRC4 is on the minus strand). VCF-style: chr2-32250110-T-C. GRCh37 (hg19) VCF-style: chr2-32475179-T-C.
Other names: c.1754A>G, p.Tyr585Cys (NM_001199139.2, NM_021209.5); c.262+2309A>G (NM_001302504.1); short protein forms Y585C.
Identifiers: ClinVar variation 568405 (VCV000568405.8), dbSNP rs763410160, ClinGen allele CA1601932.
Genomic context (GRCh38, chr2:32,250,110, plus strand): 5'-CAATTGGGCAAATGTTCAAAGAAGTCAAATAAGTAATCGGGGATGTTCCCTGAGTTGATA[T>C]ATAAGCTTTTACCTTGAAAGAAAGCTTCAAATTCTTGGCTCAGGGCTGATTTGGATGTAC-3'
Protein context (NP_001186067.1, residues 575-595): FEAFFQGKSL[Tyr585Cys]INSGNIPDYL